The following is an entry in ClinVar:

ClinVar aggregate classification (germline): Uncertain significance (1 of 4 stars; one submission).

gnomAD v4.1: 4 of 1,561,992 alleles (0.00026%); highest among the groups gnomAD compares: South Asian, 0.0044%; no homozygotes.

Submission:

GeneDx
Classification: Uncertain significance. Last evaluated: 2024-02-23. Review status: criteria provided, single submitter. Criteria: GeneDx Variant Classification Process June 2021. Collection method: clinical testing. Allele origin: germline. Affected: yes.
Comment: Has not been previously published as pathogenic or benign to our knowledge; Not observed at significant frequency in large population cohorts (gnomAD); In silico analysis supports that this missense variant has a deleterious effect on protein structure/function

NM_002317.7(LOX):c.1135A>G (p.Ser379Gly)

Genes: LOX (lysyl oxidase; minus strand), SRFBP1 (serum response factor binding protein 1; plus strand). Cytogenetic location: 5q23.1.
Variant type: single nucleotide variant.
Coding change: c.1135A>G on transcript NM_002317.7 (MANE Select); coding-DNA position 1135, A replaced by G.
Protein change: p.Ser379Gly; replaces serine 379 with glycine.
Molecular consequence: missense variant.
Genome position (GRCh38, 1-based): chr5:122,070,165, T>C on the plus strand (A>G on the coding strand, the complement: LOX is on the minus strand). VCF-style: chr5-122070165-T-C. GRCh37 (hg19) VCF-style: chr5-121405860-T-C.
Other names: c.445A>G, p.Ser149Gly (NM_001178102.2); c.244A>G, p.Ser82Gly (NM_001317073.1); short protein forms S149G, S379G, S82G.
Identifiers: ClinVar variation 3369694 (VCV003369694.1).